The following is an entry in ClinVar:

NM_024077.5(SECISBP2):c.589C>T (p.Arg197Ter)

Gene: SECISBP2 (SECIS binding protein 2; plus strand). Cytogenetic location: 9q22.2.
Variant type: single nucleotide variant.
Coding change: c.589C>T on transcript NM_024077.5 (MANE Select); coding-DNA position 589, C replaced by T.
Protein change: p.Arg197Ter; replaces arginine 197 with a stop codon.
Molecular consequence: nonsense. On other transcripts: 5 prime UTR variant (1).
Genome position (GRCh38, 1-based): chr9:89,328,674, C>T. VCF-style: chr9-89328674-C-T. GRCh37 (hg19) VCF-style: chr9-91943589-C-T.
Other names: c.586C>T, p.Arg196Ter (NM_001282688.2); c.370C>T, p.Arg124Ter (NM_001282689.2); c.385C>T, p.Arg129Ter (NM_001282690.1); c.589C>T, p.Arg197Ter (NM_001354696.2, NM_001354697.2, NM_001354698.2); c.-259C>T (NM_001354702.2); short protein forms R197*, R124*, R196*, R129*.
Identifiers: ClinVar variation 452802 (VCV000452802.3), dbSNP rs764344701, ClinGen allele CA5117145.

ClinVar aggregate classification (germline): Likely pathogenic (1 of 4 stars; one submission).

Allele frequency attached by ClinVar (database versions not stated): ExAC 0.00001; gnomAD exomes 0.00001 and 0.00003; gnomAD 0.00002 and 0.00009; TOPMed 0.00013.
gnomAD v4.1: 33 of 1,613,620 alleles (0.002%); highest among the groups gnomAD compares: Middle Eastern, 0.016%; no homozygotes.

Submission:

GeneDx
Classification: Likely pathogenic. Last evaluated: 2024-03-07. Review status: criteria provided, single submitter. Criteria: GeneDx Variant Classification Process June 2021. Collection method: clinical testing. Allele origin: germline. Affected: yes.
Comment: Reported in the published literature in a patient with clinical features consistent with an SECISBP2-related disorder who harbors an additional missense variant in the SECISBP2 gene (PMID: 32084277); Nonsense variant predicted to result in protein truncation or nonsense mediated decay in a gene for which loss of function is a known mechanism of disease; Published functional studies suggest a damaging effect on protein function (PMID: 32084277); This variant is associated with the following publications: (PMID: 25905294, 32084277)